The following is an entry in ClinVar:

ClinVar aggregate classification (germline): Uncertain significance. Review status: criteria provided, multiple submitters, no conflicts (2 of 4 stars). 2 submissions from 2 submitters: Uncertain significance (2). Last evaluated 2024-06-23.

Conditions:
Brugada syndrome. Also called: Sudden unexpected nocturnal death syndrome; Sudden unexplained nocturnal death syndrome; Sudden Unexplained Death Syndrome; Sudden Unexplained Nocturnal Death Syndrome (SUNDS). Identifiers: Orphanet 130, MedGen C1142166, MONDO:0015263.
Cardiovascular phenotype. Identifiers: MedGen CN230736.

Allele frequency attached by ClinVar (database versions not stated): TOPMed 0.00001; gnomAD exomes 0.00002; ESP Exome Variant Server 0.00008.
gnomAD v4.1: 22 of 1,609,826 alleles (0.0014%); highest among the groups gnomAD compares: Non-Finnish European, 0.0018%; no homozygotes.

Submissions (2):

Ambry Genetics
Classification: Uncertain significance for Cardiovascular phenotype. Last evaluated: 2024-06-23. Review status: criteria provided, single submitter. Criteria: Ambry Variant Classification Scheme 2023. Collection method: clinical testing. Allele origin: germline.
Comment: The p.I1559V variant (also known as c.4675A>G), located in coding exon 27 of the SCN10A gene, results from an A to G substitution at nucleotide position 4675. The isoleucine at codon 1559 is replaced by valine, an amino acid with highly similar properties. This amino acid position is conserved. In addition, this alteration is predicted to be tolerated by in silico analysis. Based on the available evidence, the clinical significance of this variant remains unclear.

Labcorp Genetics (formerly Invitae), Labcorp
Classification: Uncertain significance for Brugada syndrome. Last evaluated: 2020-08-27. Review status: criteria provided, single submitter. Criteria: Invitae Variant Classification Sherloc (09022015). Collection method: clinical testing. Allele origin: germline.
Comment: This variant has not been reported in the literature in individuals with SCN10A-related conditions. Algorithms developed to predict the effect of missense changes on protein structure and function (SIFT, PolyPhen-2, Align-GVGD) all suggest that this variant is likely to be tolerated, but these predictions have not been confirmed by published functional studies and their clinical significance is uncertain. Algorithms developed to predict the effect of sequence changes on RNA splicing suggest that this variant may create or strengthen a splice site, but this prediction has not been confirmed by published transcriptional studies. In summary, the available evidence is currently insufficient to determine the role of this variant in disease. Therefore, it has been classified as a Variant of Uncertain Significance. This variant is not present in population databases (ExAC no frequency). This sequence change replaces isoleucine with valine at codon 1559 of the SCN10A protein (p.Ile1559Val). The isoleucine residue is moderately conserved and there is a small physicochemical difference between isoleucine and valine.

NM_006514.4(SCN10A):c.4675A>G (p.Ile1559Val)

Gene: SCN10A (sodium voltage-gated channel alpha subunit 10; minus strand). Cytogenetic location: 3p22.2.
Variant type: single nucleotide variant.
Coding change: c.4675A>G on transcript NM_006514.4 (MANE Select); coding-DNA position 4675, A replaced by G.
Protein change: p.Ile1559Val; replaces isoleucine 1559 with valine.
Molecular consequence: missense variant.
Genome position (GRCh38, 1-based): chr3:38,698,545, T>C on the plus strand (A>G on the coding strand, the complement: SCN10A is on the minus strand). VCF-style: chr3-38698545-T-C. GRCh37 (hg19) VCF-style: chr3-38740036-T-C.
Other names: c.4675A>G (NM_006514.2); c.4672A>G, p.Ile1558Val (NM_001293306.2); c.4381A>G, p.Ile1461Val (NM_001293307.2); short protein forms I1559V, I1461V, I1558V.
Identifiers: ClinVar variation 1044337 (VCV001044337.6), dbSNP rs369399641, ClinGen allele CA72947589.